The following is an entry in ClinVar:

NM_021815.5(SLC5A7):c.1564A>C (p.Ser522Arg)

Gene: SLC5A7 (solute carrier family 5 member 7; plus strand). Cytogenetic location: 2q12.3.
Variant type: single nucleotide variant.
Coding change: c.1564A>C on transcript NM_021815.5 (MANE Select); coding-DNA position 1564, A replaced by C.
Protein change: p.Ser522Arg; replaces serine 522 with arginine.
Molecular consequence: missense variant.
Genome position (GRCh38, 1-based): chr2:108,010,682, A>C. VCF-style: chr2-108010682-A-C. GRCh37 (hg19) VCF-style: chr2-108627138-A-C.
Other names: c.1564A>C, p.Ser522Arg (NM_001305005.3); c.1249A>C, p.Ser417Arg (NM_001305006.3); c.823A>C, p.Ser275Arg (NM_001305007.3); short protein forms S275R, S417R, S522R.
Identifiers: ClinVar variation 3750859 (VCV003750859.2).
Genomic context (GRCh38, chr2:108,010,682, plus strand): 5'-TTTGAAAGTGGAACCTTGCCACCTAAATTAGATGTATTTGATGCTGTTGTTGCAAGACAC[A>C]GTGAAGAAAACATGGATAAGACAATTCTTGTCAAAAATGAAAATATTAAATTAGATGAAC-3'
Protein context (NP_068587.1, residues 512-532): DVFDAVVARH[Ser522Arg]EENMDKTILV

ClinVar aggregate classification (germline): Uncertain significance (1 of 4 stars; one submission).

Conditions:
Neuronopathy, distal hereditary motor, type 7A. Also called: Neuronopathy, distal hereditary motor, type viia; NEURONOPATHY, DISTAL HEREDITARY MOTOR, HARDING TYPE VIIA; NEUROPATHY, DISTAL HEREDITARY MOTOR, HARDING TYPE VIIA; Neuronopathy, distal hereditary motor, autosomal dominant 7; HARPER-YOUNG MYOPATHY; HMN VIIA. Identifiers: Orphanet 139589, MedGen C1834703, MONDO:0008024, OMIM 158580.
Congenital myasthenic syndrome 20. Also called: Myasthenic syndrome, congenital, 20, presynaptic. Identifiers: MedGen C4310694, MONDO:0014939, OMIM 617143.

Submission:

Labcorp Genetics (formerly Invitae), Labcorp
Classification: Uncertain significance for Neuronopathy, distal hereditary motor, type 7A; Congenital myasthenic syndrome 20. Last evaluated: 2024-08-27. Review status: criteria provided, single submitter. Criteria: Invitae Variant Classification Sherloc (09022015). Collection method: clinical testing. Allele origin: germline.
Comment: This sequence change replaces serine, which is neutral and polar, with arginine, which is basic and polar, at codon 522 of the SLC5A7 protein (p.Ser522Arg). This variant is not present in population databases (gnomAD no frequency). This variant has not been reported in the literature in individuals affected with SLC5A7-related conditions. Invitae Evidence Modeling of protein sequence and biophysical properties (such as structural, functional, and spatial information, amino acid conservation, physicochemical variation, residue mobility, and thermodynamic stability) indicates that this missense variant is not expected to disrupt SLC5A7 protein function with a negative predictive value of 80%. In summary, the available evidence is currently insufficient to determine the role of this variant in disease. Therefore, it has been classified as a Variant of Uncertain Significance.